The following is an entry in ClinVar:

ClinVar aggregate classification (germline): Benign (1 of 4 stars; one submission).

Conditions:
Hemochromatosis type 5. Also called: Iron overload, autosomal dominant. Identifiers: Orphanet 247790, MedGen C1851316, MONDO:0014225, OMIM 615517.

Allele frequency attached by ClinVar (database versions not stated): gnomAD 0.00002; gnomAD exomes 0.00002 and 0.00006; TOPMed 0.00002; ExAC 0.00014.
gnomAD v4.1: 42 of 1,607,138 alleles (0.0026%); highest among the groups gnomAD compares: Non-Finnish European, 0.0027%; no homozygotes.

Submission:

Illumina Laboratory Services, Illumina
Classification: Benign for Hemochromatosis type 5. Last evaluated: 2018-03-20. Review status: criteria provided, single submitter. Criteria: ICSL Variant Classification Criteria 13 December 2019. Collection method: clinical testing. Allele origin: germline.
Comment: This variant was observed in the ICSL laboratory as part of a predisposition screen in an ostensibly healthy population. It had not been previously curated by ICSL or reported in the Human Gene Mutation Database (HGMD: prior to June 1st, 2018), and was therefore a candidate for classification through an automated scoring system. Utilizing variant allele frequency, disease prevalence and penetrance estimates, and inheritance mode, an automated score was calculated to assess if this variant is too frequent to cause the disease. Based on the score and internal cut-off values, a variant classified as benign is not then subjected to further curation. The score for this variant resulted in a classification of benign for this disease.

NM_002032.3(FTH1):c.60C>T (p.Ala20=)

Genes: FTH1 (ferritin heavy chain 1; minus strand), LOC399900 (uncharacterized LOC399900; plus strand). Cytogenetic location: 11q12.3.
Variant type: single nucleotide variant.
Coding change: c.60C>T on transcript NM_002032.3 (MANE Select); coding-DNA position 60, C replaced by T.
Protein change: p.Ala20=; no amino-acid change (alanine 20 retained).
Molecular consequence: synonymous variant.
Genome position (GRCh38, 1-based): chr11:61,967,366, G>A on the plus strand (C>T on the coding strand, the complement: FTH1 is on the minus strand). VCF-style: chr11-61967366-G-A. GRCh37 (hg19) VCF-style: chr11-61734838-G-A.
Identifiers: ClinVar variation 878749 (VCV000878749.6), dbSNP rs773201278, ClinGen allele CA6041340.
Genomic context (GRCh38, chr11:61,967,366, plus strand): 5'-GCTCACCATGGACAGGTAAACGTAGGAGGCGTAGAGCTCCAGGTTGATCTGGCGGTTGAT[G>A]GCGGCCTCTGAGTCCTGGTGGTAGTTCTGGCGCACCTGCGAGGTGGACGCGGTCGTCATG-3'
Protein context (NP_002023.2, residues 10-30): RQNYHQDSEA[Ala20=]INRQINLELY